The following is an entry in ClinVar:

ClinVar aggregate classification (germline): Uncertain significance (1 of 4 stars; one submission).

Conditions:
Autosomal recessive limb-girdle muscular dystrophy type 2O. Also called: Limb-Girdle Muscular Dystrophy Type 3C; MUSCULAR DYSTROPHY-DYSTROGLYCANOPATHY (LIMB-GIRDLE), TYPE C, 3; MUSCULAR DYSTROPHY-DYSTROGLYCANOPATHY, LIMB-GIRDLE, POMGNT1-RELATED. Identifiers: Orphanet 206564, MedGen C3150417, MONDO:0013161, OMIM 613157.
Muscular dystrophy-dystroglycanopathy (congenital with impaired intellectual development), type B, 3. Also called: MUSCULAR DYSTROPHY, CONGENITAL, POMGNT1-RELATED; Muscular dystrophy-dystroglycanopathy (congenital with intellectual disability), type B3. Identifiers: MedGen C3150412, MONDO:0013155, OMIM 613151.

gnomAD v4.1: 1 of 1,613,934 alleles (0.000062%); highest among the groups gnomAD compares: Non-Finnish European, 0.000085%; no homozygotes.

Submission:

Labcorp Genetics (formerly Invitae), Labcorp
Classification: Uncertain significance for Autosomal recessive limb-girdle muscular dystrophy type 2O; Muscular dystrophy-dystroglycanopathy (congenital with impaired intellectual development), type B, 3. Last evaluated: 2022-11-01. Review status: criteria provided, single submitter. Criteria: Invitae Variant Classification Sherloc (09022015). Collection method: clinical testing. Allele origin: germline.
Comment: In summary, the available evidence is currently insufficient to determine the role of this variant in disease. Therefore, it has been classified as a Variant of Uncertain Significance. Variants that disrupt the consensus splice site are a relatively common cause of aberrant splicing (PMID: 17576681, 9536098). Algorithms developed to predict the effect of sequence changes on RNA splicing suggest that this variant may disrupt the consensus splice site. This variant has not been reported in the literature in individuals affected with POMGNT1-related conditions. This variant is not present in population databases (gnomAD no frequency). This sequence change falls in intron 14 of the POMGNT1 gene. It does not directly change the encoded amino acid sequence of the POMGNT1 protein. It affects a nucleotide within the consensus splice site.

Literature cited by the submitters: PubMed 17576681; PubMed 9536098.

NM_017739.4(POMGNT1):c.1212-3C>G

Genes: POMGNT1 (protein O-linked mannose N-acetylglucosaminyltransferase 1 (beta 1,2-); minus strand), TSPAN1 (tetraspanin 1; plus strand). Cytogenetic location: 1p34.1.
Variant type: single nucleotide variant.
Coding change: c.1212-3C>G on transcript NM_017739.4 (MANE Select); 3 bases into the intron before coding-DNA position 1212, C replaced by G.
Molecular consequence: intron variant.
Genome position (GRCh38, 1-based): chr1:46,192,593, G>C on the plus strand (C>G on the coding strand, the complement: POMGNT1 is on the minus strand). VCF-style: chr1-46192593-G-C. GRCh37 (hg19) VCF-style: chr1-46658265-G-C.
Other names: c.1212-3C>G (NM_001243766.2, NM_001438686.1, NM_001438688.1 and 3 more transcripts); c.1146-3C>G (NM_001290129.3, NM_001438691.1, NM_001438692.1); c.783-3C>G (NM_001290130.2).
Identifiers: ClinVar variation 1982922 (VCV001982922.4), dbSNP rs755104526, ClinGen allele CA2580062936.